The following is an entry in ClinVar:

NM_014717.3(ZNF536):c.388T>C (p.Tyr130His)

Gene: ZNF536 (zinc finger protein 536; plus strand). Cytogenetic location: 19q12.
Variant type: single nucleotide variant.
Coding change: c.388T>C on transcript NM_014717.3 (MANE Select); coding-DNA position 388, T replaced by C.
Protein change: p.Tyr130His; replaces tyrosine 130 with histidine.
Molecular consequence: missense variant.
Genome position (GRCh38, 1-based): chr19:30,443,950, T>C. VCF-style: chr19-30443950-T-C. GRCh37 (hg19) VCF-style: chr19-30934857-T-C.
Other names: c.388T>C, p.Tyr130His (NM_001352260.2, NM_001376110.1, NM_001376111.1 and 1 more transcripts); short protein forms Y130H.
Identifiers: ClinVar variation 5009351 (VCV005009351.1).
Genomic context (GRCh38, chr19:30,443,950, plus strand): 5'-AACCTGGGCATCATGTCCCAGATGAGCGACATCGAGGACGACGCCCGCAAGAACCGCAAG[T>C]ACCCGTGCCCACTCTGCGGCAAGCGCTTCCGCTTCAACAGCATCCTCTCCCTGCACATGC-3'
Protein context (NP_055532.1, residues 120-140): IEDDARKNRK[Tyr130His]PCPLCGKRFR

ClinVar aggregate classification (germline): Uncertain significance (1 of 4 stars; one submission).

Submission:

GeneDx
Classification: Uncertain significance. Last evaluated: 2026-03-21. Review status: criteria provided, single submitter. Criteria: GeneDx Variant Classification Process June 2021. Collection method: clinical testing. Allele origin: germline.
Comment: Not observed at significant frequency in large population cohorts (gnomAD); In silico analysis suggests that this missense variant does not alter protein structure/function; Has not been previously published as pathogenic or benign to our knowledge; Variants in candidate genes are classified as variants of uncertain significance in accordance with ACMG guidelines (PMID: 25741868)